The following is an entry in ClinVar:

NM_020987.5(ANK3):c.10027C>G (p.Gln3343Glu)

Gene: ANK3 (ankyrin 3; minus strand). Cytogenetic location: 10q21.2.
Variant type: single nucleotide variant.
Coding change: c.10027C>G on transcript NM_020987.5 (MANE Select); coding-DNA position 10027, C replaced by G.
Protein change: p.Gln3343Glu; replaces glutamine 3343 with glutamic acid.
Molecular consequence: missense variant. On other transcripts: intron variant (4).
Genome position (GRCh38, 1-based): chr10:60,070,854, G>C on the plus strand (C>G on the coding strand, the complement: ANK3 is on the minus strand). VCF-style: chr10-60070854-G-C. GRCh37 (hg19) VCF-style: chr10-61830612-G-C.
Other names: c.4388-2845C>G (NM_001204403.2); c.4409-2845C>G (NM_001204404.2); c.4406-2845C>G (NM_001320874.2); c.1808-2845C>G (NM_001149.4); c.10027C>G (NM_020987.3); short protein forms Q3343E.
Identifiers: ClinVar variation 2177364 (VCV002177364.6), dbSNP rs139048397, ClinGen allele CA5511292.

ClinVar aggregate classification (germline): Uncertain significance. Review status: criteria provided, multiple submitters, no conflicts (2 of 4 stars). 3 submissions from 3 submitters: Uncertain significance (3). Last evaluated 2025-07-02.

Conditions:
Inborn genetic diseases. Identifiers: MedGen C0950123, MeSH D030342.

Allele frequency attached by ClinVar (database versions not stated): gnomAD exomes 0.00003; gnomAD 0.00027; TOPMed 0.00036; ESP Exome Variant Server 0.00038; 1000 Genomes Project 0.00060; 1000 Genomes Project 30x 0.00078.
gnomAD v4.1: 81 of 1,613,986 alleles (0.005%); highest among the groups gnomAD compares: African/African-American, 0.1%; no homozygotes.

Submissions (3):

Labcorp Genetics (formerly Invitae), Labcorp
Classification: Uncertain significance. Last evaluated: 2025-07-02. Review status: criteria provided, single submitter. Criteria: Invitae Variant Classification Sherloc (09022015). Collection method: clinical testing. Allele origin: germline.
Comment: This sequence change replaces glutamine, which is neutral and polar, with glutamic acid, which is acidic and polar, at codon 3343 of the ANK3 protein (p.Gln3343Glu). This variant is present in population databases (rs139048397, gnomAD 0.1%). This variant has not been reported in the literature in individuals affected with ANK3-related conditions. ClinVar contains an entry for this variant (Variation ID: 2177364). An algorithm developed to predict the effect of missense changes on protein structure and function (PolyPhen-2) suggests that this variant is likely to be tolerated. In summary, the available evidence is currently insufficient to determine the role of this variant in disease. Therefore, it has been classified as a Variant of Uncertain Significance.

GeneDx
Classification: Uncertain significance. Last evaluated: 2024-03-26. Review status: criteria provided, single submitter. Criteria: GeneDx Variant Classification Process June 2021. Collection method: clinical testing. Allele origin: germline. Affected: yes.
Comment: In silico analysis supports that this missense variant does not alter protein structure/function; Has not been previously published as pathogenic or benign to our knowledge

Ambry Genetics
Classification: Uncertain significance for Inborn genetic diseases. Last evaluated: 2022-12-19. Review status: criteria provided, single submitter. Criteria: Ambry Variant Classification Scheme 2023. Collection method: clinical testing. Allele origin: germline.